The following is an entry in ClinVar:

NM_020812.4(DOCK6):c.5582G>A (p.Arg1861His)

Gene: DOCK6 (dedicator of cytokinesis 6; minus strand). Cytogenetic location: 19p13.2.
Variant type: single nucleotide variant.
Coding change: c.5582G>A on transcript NM_020812.4 (MANE Select); coding-DNA position 5582, G replaced by A.
Protein change: p.Arg1861His; replaces arginine 1861 with histidine.
Molecular consequence: missense variant.
Genome position (GRCh38, 1-based): chr19:11,201,995, C>T on the plus strand (G>A on the coding strand, the complement: DOCK6 is on the minus strand). VCF-style: chr19-11201995-C-T. GRCh37 (hg19) VCF-style: chr19-11312671-C-T.
Other names: c.5687G>A, p.Arg1896His (NM_001367830.1); short protein forms R1861H, R1896H.
Identifiers: ClinVar variation 499271 (VCV000499271.43), dbSNP rs115035890, ClinGen allele CA9206416.
Genomic context (GRCh38, chr19:11,201,995, plus strand): 5'-GCGTGGTCGGTGCTGAGCAGCGTCTTACGCTTGTGTTGCTCGGGCAGCTCCCCGTGTGCG[C>T]GCCCATCCGGCGTGAACGGCGTGCAGAACAGGAATGTGCGAAGCCCATAGTTGCGGTCAA-3'
Protein context (NP_065863.2, residues 1851-1871): LFCTPFTPDG[Arg1861His]AHGELPEQHK

ClinVar aggregate classification (germline): Conflicting classifications of pathogenicity. Review status: criteria provided, conflicting classifications (1 of 4 stars). 6 submissions from 6 submitters: Uncertain significance (4); Likely benign (1). 1 of the submissions does not count toward it. Last evaluated 2026-06-01.

Conditions:
DOCK6-related disorder. Also called: DOCK6-related condition.

Allele frequency attached by ClinVar (database versions not stated): 1000 Genomes Project 30x 0.00016; ExAC 0.00086; gnomAD 0.00093 and 0.00094; gnomAD exomes 0.00093 and 0.00154; TOPMed 0.00106; ESP Exome Variant Server 0.00117.
gnomAD v4.1: 2,401 of 1,614,042 alleles (0.15%); highest among the groups gnomAD compares: Non-Finnish European, 0.18%; 1 homozygote.

Submissions (6):

CeGaT Center for Human Genetics Tuebingen
Classification: Likely benign. Last evaluated: 2026-06-01. Review status: criteria provided, single submitter. Criteria: CeGaT Center For Human Genetics Tuebingen Variant Classification Criteria Version 2. Collection method: clinical testing. Allele origin: germline. Affected: yes. Observed: 2 variant alleles.
Comment: DOCK6: BS2

GeneDx
Classification: Uncertain significance. Last evaluated: 2026-01-18. Review status: criteria provided, single submitter. Criteria: GeneDx Variant Classification Process June 2021. Collection method: clinical testing. Allele origin: germline. Affected: yes.
Comment: In silico analysis supports that this missense variant has a deleterious effect on protein structure/function; Has not been previously published as pathogenic or benign to our knowledge

Labcorp Genetics (formerly Invitae), Labcorp
Classification: Uncertain significance. Last evaluated: 2024-01-22. Review status: criteria provided, single submitter. Criteria: Invitae Variant Classification Sherloc (09022015). Collection method: clinical testing. Allele origin: germline.
Comment: This sequence change replaces arginine, which is basic and polar, with histidine, which is basic and polar, at codon 1861 of the DOCK6 protein (p.Arg1861His). This variant is present in population databases (rs115035890, gnomAD 0.1%), and has an allele count higher than expected for a pathogenic variant. This variant has not been reported in the literature in individuals affected with DOCK6-related conditions. ClinVar contains an entry for this variant (Variation ID: 499271). Advanced modeling of protein sequence and biophysical properties (such as structural, functional, and spatial information, amino acid conservation, physicochemical variation, residue mobility, and thermodynamic stability) performed at Invitae indicates that this missense variant is expected to disrupt DOCK6 protein function with a positive predictive value of 80%. In summary, the available evidence is currently insufficient to determine the role of this variant in disease. Therefore, it has been classified as a Variant of Uncertain Significance.

Eurofins Ntd Llc (ga)
Classification: Uncertain significance. Last evaluated: 2016-12-16. Review status: criteria provided, single submitter. Criteria: EGL Classification Definitions 2015. Collection method: clinical testing. Allele origin: germline. Observed: 1 variant allele, 1 heterozygote.

Breakthrough Genomics
Classification: Uncertain significance. Review status: criteria provided, single submitter. Criteria: ACMG Guidelines, 2015. Collection method: not provided. Allele origin: germline. Inheritance: Autosomal recessive inheritance. Affected: yes.

PreventionGenetics, part of Exact Sciences
Classification: Uncertain significance for DOCK6-related condition. Last evaluated: 2023-11-27. Review status: no assertion criteria provided. Collection method: clinical testing. Allele origin: germline. Not counted in ClinVar's aggregate classification.
Comment: The DOCK6 c.5582G>A variant is predicted to result in the amino acid substitution p.Arg1861His. To our knowledge, this variant has not been reported in the literature. This variant is reported in 0.13% of alleles in individuals of European (Non-Finnish) descent in gnomAD. Although we suspect that this variant may be benign, at this time, the clinical significance of this variant is uncertain due to the absence of conclusive functional and genetic evidence.